The following is an entry in ClinVar:

NM_002317.7(LOX):c.209G>A (p.Arg70Gln)

Genes: LOX (lysyl oxidase; minus strand), SRFBP1 (serum response factor binding protein 1; plus strand). Cytogenetic location: 5q23.1.
Variant type: single nucleotide variant.
Coding change: c.209G>A on transcript NM_002317.7 (MANE Select); coding-DNA position 209, G replaced by A.
Protein change: p.Arg70Gln; replaces arginine 70 with glutamine.
Molecular consequence: missense variant.
Genome position (GRCh38, 1-based): chr5:122,077,777, C>T on the plus strand (G>A on the coding strand, the complement: LOX is on the minus strand). VCF-style: chr5-122077777-C-T. GRCh37 (hg19) VCF-style: chr5-121413472-C-T.
Other names: short protein forms R70Q.
Identifiers: ClinVar variation 1785864 (VCV001785864.3), dbSNP rs1288155606, ClinGen allele CA360877540.

ClinVar aggregate classification (germline): Uncertain significance (1 of 4 stars; one submission).

Conditions:
Cardiovascular phenotype. Identifiers: MedGen CN230736.

Allele frequency attached by ClinVar (database versions not stated): gnomAD 0.00001; TOPMed 0.00001.
gnomAD v4.1: 4 of 1,548,852 alleles (0.00026%); highest among the groups gnomAD compares: African/African-American, 0.0027%; no homozygotes.

Submission:

Ambry Genetics
Classification: Uncertain significance for Cardiovascular phenotype. Last evaluated: 2024-12-28. Review status: criteria provided, single submitter. Criteria: Ambry Variant Classification Scheme 2023. Collection method: clinical testing. Allele origin: germline.
Comment: The p.R70Q variant (also known as c.209G>A), located in coding exon 1 of the LOX gene, results from a G to A substitution at nucleotide position 209. The arginine at codon 70 is replaced by glutamine, an amino acid with highly similar properties. This amino acid position is conserved. In addition, this alteration is predicted to be tolerated by in silico analysis. Since supporting evidence is limited at this time, the clinical significance of this alteration remains unclear.